The following is an entry in ClinVar:

ClinVar aggregate classification (germline): Benign (1 of 4 stars; one submission).

Allele frequency attached by ClinVar (database versions not stated): gnomAD exomes below 0.00001; gnomAD 0.00001; TOPMed 0.00001.
gnomAD v4.1: 5 of 1,578,534 alleles (0.00032%); highest among the groups gnomAD compares: Middle Eastern, 0.02%; no homozygotes.

Submission:

GeneDx
Classification: Benign. Last evaluated: 2013-08-19. Review status: criteria provided, single submitter. Criteria: GeneDx Variant Classification (06012015). Collection method: clinical testing. Allele origin: germline. Affected: yes.
Comment: This variant is considered likely benign or benign based on one or more of the following criteria: it is a conservative change, it occurs at a poorly conserved position in the protein, it is predicted to be benign by multiple in silico algorithms, and/or has population frequency not consistent with disease.

NM_005633.4(SOS1):c.-9G>A

Genes: SOS1 (SOS Ras/Rac guanine nucleotide exchange factor 1; minus strand), LOC129933535 (ATAC-STARR-seq lymphoblastoid silent region 11384; plus strand). Cytogenetic location: 2p22.1.
Variant type: single nucleotide variant.
Coding change: c.-9G>A on transcript NM_005633.4 (MANE Select); 9 bases upstream of the start codon, G replaced by A.
Molecular consequence: 5 prime UTR variant. On other transcripts: intron variant (1).
Genome position (GRCh38, 1-based): chr2:39,120,431, C>T on the plus strand (G>A on the coding strand, the complement: SOS1 is on the minus strand). VCF-style: chr2-39120431-C-T. GRCh37 (hg19) VCF-style: chr2-39347572-C-T.
Other names: c.-9G>A (NM_001382395.1); c.66+4233G>A (NM_001382394.1).
Identifiers: ClinVar variation 139232 (VCV000139232.1), dbSNP rs587781175, ClinGen allele CA293655.